The following is an entry in ClinVar:

NM_000169.3(GLA):c.452del (p.Tyr151fs)

Genes: GLA (galactosidase alpha; minus strand), RPL36A-HNRNPH2 (RPL36A-HNRNPH2 readthrough; plus strand). Cytogenetic location: Xq22.1.
Variant type: Deletion.
Coding change: c.452del on transcript NM_000169.3 (MANE Select); coding-DNA position 452, one base deleted (A; older notation c.452delA).
Protein change: p.Tyr151fs; shifts the reading frame from tyrosine 151.
Molecular consequence: frameshift variant. On other transcripts: non-coding transcript variant (3), intron variant (2).
Genome position (GRCh38, 1-based): chrX:101,401,727, T deleted on the plus strand (A on the coding strand, the reverse complement: GLA is on the minus strand). VCF-style (leftmost placement, unchanged base first): chrX-101401726-GT-G. GRCh37 (hg19) VCF-style: chrX-100656714-GT-G.
Other names: c.575del, p.Tyr192fs (NM_001406747.1, NM_001406749.1); c.452del, p.Tyr151fs (NM_001406748.1); c.300+6270del (NM_001199973.2); c.177+9905del (NM_001199974.2); short protein forms Y151fs, Y192fs.
Identifiers: ClinVar variation 4086963 (VCV004086963.2).
Genomic context (GRCh38, chrX:101,401,726, plus strand): 5'-ACCATCAAATTTTAGCAGATCTACTCCCCAGTCAGCAAAGGTCTGGGCATCAATGTCGTA[GT>G]ATCCAAAACTCCCAGGGAAGCCTGCGCAGGTTTTATTTCCAACATCTGCATAAATCCCTA-3'

ClinVar aggregate classification (germline): Pathogenic (1 of 4 stars; one submission).

Conditions:
Fabry disease. Also called: ALPHA-GALACTOSIDASE A DEFICIENCY; ANDERSON-FABRY DISEASE; CERAMIDE TRIHEXOSIDASE DEFICIENCY; GLA DEFICIENCY; HEREDITARY DYSTOPIC LIPIDOSIS; Angiokeratoma corporis diffusum. Identifiers: Orphanet 324, MedGen C0002986, MONDO:0010526, OMIM 301500, HP:0001071. Disease mechanism: Fabry disease is due to inactivating mutations in the X-linked GLA gene resulting in deficiency of the enzyme Alpha Galactosidase-A., loss of function.

Submission:

Genomenon, Inc
Classification: Pathogenic for Fabry disease. Last evaluated: 2026-09-08. Review status: criteria provided, single submitter. Criteria: Genomenon Sequence Variant Interpretation Standards - Updated. Collection method: curation. Allele origin: germline. Affected: yes.
Comment: GLA p.Tyr151SerfsTer14 (c.452del) is a frameshift variant that is predicted to introduce a premature termination codon and result in a truncated or absent protein product. This variant has been observed in at least one proband with clinical features consistent with Fabry disease (PMID:22187137). Functional or patient cell studies have been reported (PMID:22187137). It is absent or not present at a significant frequency in gnomAD. In conclusion, we classify GLA p.Tyr151SerfsTer14 (c.452del) as a pathogenic variant.

Literature cited by the submitters: PubMed 22187137.